The following is an entry in ClinVar:

ClinVar aggregate classification (germline): Uncertain significance (1 of 4 stars; one submission).

gnomAD v4.1: 10 of 1,613,172 alleles (0.00062%); highest among the groups gnomAD compares: African/African-American, 0.0053%; no homozygotes.

Submission:

Labcorp Genetics (formerly Invitae), Labcorp
Classification: Uncertain significance. Last evaluated: 2024-05-01. Review status: criteria provided, single submitter. Criteria: Invitae Variant Classification Sherloc (09022015). Collection method: clinical testing. Allele origin: germline.
Comment: This sequence change replaces arginine, which is basic and polar, with glutamine, which is neutral and polar, at codon 695 of the ANLN protein (p.Arg695Gln). This variant is present in population databases (rs768257143, gnomAD 0.0009%). This variant has not been reported in the literature in individuals affected with ANLN-related conditions. Algorithms developed to predict the effect of missense changes on protein structure and function output the following: SIFT: "Not Available"; PolyPhen-2: "Benign"; Align-GVGD: "Not Available". The glutamine amino acid residue is found in multiple mammalian species, which suggests that this missense change does not adversely affect protein function. In summary, the available evidence is currently insufficient to determine the role of this variant in disease. Therefore, it has been classified as a Variant of Uncertain Significance.

NM_018685.5(ANLN):c.2084G>A (p.Arg695Gln)

Gene: ANLN (anillin, actin binding protein; plus strand). Cytogenetic location: 7p14.2.
Variant type: single nucleotide variant.
Coding change: c.2084G>A on transcript NM_018685.5 (MANE Select); coding-DNA position 2084, G replaced by A.
Protein change: p.Arg695Gln; replaces arginine 695 with glutamine.
Molecular consequence: missense variant.
Genome position (GRCh38, 1-based): chr7:36,420,665, G>A. VCF-style: chr7-36420665-G-A. GRCh37 (hg19) VCF-style: chr7-36460274-G-A.
Other names: c.1973G>A, p.Arg658Gln (NM_001284301.3); c.1970G>A, p.Arg657Gln (NM_001284302.3); short protein forms R657Q, R658Q, R695Q.
Identifiers: ClinVar variation 3630555 (VCV003630555.2).